The following is an entry in ClinVar:

NM_016111.4(TELO2):c.2427G>A (p.Pro809=)

Gene: TELO2 (telomere maintenance 2; plus strand). Cytogenetic location: 16p13.3.
Variant type: single nucleotide variant.
Coding change: c.2427G>A on transcript NM_016111.4 (MANE Select); coding-DNA position 2427, G replaced by A.
Protein change: p.Pro809=; no amino-acid change (proline 809 retained).
Molecular consequence: synonymous variant.
Genome position (GRCh38, 1-based): chr16:1,509,849, G>A. VCF-style: chr16-1509849-G-A. GRCh37 (hg19) VCF-style: chr16-1559850-G-A.
Other names: c.2427G>A, p.Pro809= (NM_001351846.2); c.2427G>A (NM_016111.3).
Identifiers: ClinVar variation 3019174 (VCV003019174.11), dbSNP rs1459064707, ClinGen allele CA492928968.

ClinVar aggregate classification (germline): Likely benign. Review status: criteria provided, multiple submitters, no conflicts (2 of 4 stars). 4 submissions from 4 submitters: Likely benign (4). Last evaluated 2025-10-25.

Conditions:
Inborn genetic diseases. Identifiers: MedGen C0950123, MeSH D030342.

Allele frequency attached by ClinVar (database versions not stated): TOPMed 0.00001; gnomAD 0.00002; gnomAD exomes 0.00003.
gnomAD v4.1: 48 of 1,612,224 alleles (0.003%); highest among the groups gnomAD compares: Non-Finnish European, 0.0031%; no homozygotes.

Submissions (4):

Ambry Genetics
Classification: Likely benign for Inborn genetic diseases. Last evaluated: 2025-10-25. Review status: criteria provided, single submitter. Criteria: Ambry Variant Classification Scheme 2023. Collection method: clinical testing. Allele origin: germline.

CeGaT Center for Human Genetics Tuebingen
Classification: Likely benign. Last evaluated: 2025-03-01. Review status: criteria provided, single submitter. Criteria: CeGaT Center For Human Genetics Tuebingen Variant Classification Criteria Version 2. Collection method: clinical testing. Allele origin: germline. Affected: yes. Observed: 1 variant allele.
Comment: TELO2: BP4, BP7

Labcorp Genetics (formerly Invitae), Labcorp
Classification: Likely benign. Last evaluated: 2023-08-17. Review status: criteria provided, single submitter. Criteria: Invitae Variant Classification Sherloc (09022015). Collection method: clinical testing. Allele origin: germline.

Blueprint Genetics
Classification: Likely benign. Last evaluated: 2022-11-17. Review status: criteria provided, single submitter. Criteria: ACMG Guidelines, 2015. Collection method: clinical testing. Allele origin: germline.